The following is an entry in ClinVar:

NM_030962.4(SBF2):c.2624G>T (p.Arg875Ile)

Genes: SBF2 (SET binding factor 2; minus strand), LOC101928008 (uncharacterized LOC101928008; plus strand). Cytogenetic location: 11p15.4.
Variant type: single nucleotide variant.
Coding change: c.2624G>T on transcript NM_030962.4 (MANE Select); coding-DNA position 2624, G replaced by T.
Protein change: p.Arg875Ile; replaces arginine 875 with isoleucine.
Molecular consequence: missense variant.
Genome position (GRCh38, 1-based): chr11:9,850,205, C>A on the plus strand (G>T on the coding strand, the complement: SBF2 is on the minus strand). VCF-style: chr11-9850205-C-A. GRCh37 (hg19) VCF-style: chr11-9871752-C-A.
Other names: c.2624G>T, p.Arg875Ile (NM_001386339.1); c.2495G>T, p.Arg832Ile (NM_001386342.1); short protein forms R875I, R832I.
Identifiers: ClinVar variation 245995 (VCV000245995.2), dbSNP rs879254037, ClinGen allele CA10584395.
Genomic context (GRCh38, chr11:9,850,205, plus strand): 5'-GGATCCAGCAAGACTCGAAGACCCTCACAGACAATTTCTTCTCCTGGCAGCAGAGCAGGT[C>A]TAAGAATCTTGGGCTTACAACAGAAAAAGATTGATTGATTGATTGATTGACTAATTGATT-3'
Protein context (NP_112224.1, residues 865-885): LPPIQKPKIL[Arg875Ile]PALLPGEEIV

ClinVar aggregate classification (germline): Uncertain significance (1 of 4 stars; one submission).

Allele frequency attached by ClinVar (database versions not stated): gnomAD 0.00001; TOPMed 0.00001.
gnomAD v4.1: 2 of 1,613,230 alleles (0.00012%); highest among the groups gnomAD compares: African/African-American, 0.0027%; no homozygotes.

Submission:

GeneDx
Classification: Uncertain significance. Last evaluated: 2015-10-28. Review status: criteria provided, single submitter. Criteria: GeneDx Variant Classification (06012015). Collection method: clinical testing. Allele origin: germline. Affected: yes.
Comment: The R875I variant has not been published as a pathogenic variant, nor has it been reported as a benign variant to our knowledge. It was not observed in approximately 6,500 individuals of European and African American ancestry in the NHLBI Exome Sequencing Project, indicating it is not a common benign variant in these populations. The R875I variant is a non-conservative amino acid substitution, which is likely to impact secondary protein structure as these residues differ in polarity, charge, size and/or other properties. This substitution occurs at a position that is conserved across species. However, in silico analysis is inconsistent in its predictions as to whether or not the variant is damaging to the protein structure/function. Therefore, based on the currently available information, it is unclear whether this variant is a pathogenic variant or a rare benign variant.